The following is an entry in ClinVar:

NC_000002.12:g.121530959C>T

Genes: CLASP1 (cytoplasmic linker associated protein 1; minus strand), CLASP1-AS1 (CLASP1 antisense RNA 1; plus strand), RNU4ATAC (RNA, U4atac small nuclear; plus strand). Cytogenetic location: 2q14.2.
Variant type: single nucleotide variant.
Molecular consequence: intron variant (on NM_001395891.1).
Genome position: GRCh38 VCF-style: chr2-121530959-C-T. GRCh37 (hg19) VCF-style: chr2-122288535-C-T.
Other names: c.196-634G>A (NM_001142274.2, NM_015282.3, NM_001378003.1 and 5 more transcripts).
Identifiers: ClinVar variation 1511701 (VCV001511701.5), dbSNP rs753681380, ClinGen allele CA54810931.
Genomic context (GRCh38, chr2:121,530,959, plus strand): 5'-TTGCGCTACTGTCCAATGAGCGCATAGTGAGGGCAGTACTGCTAACGCCTGAACAACACA[C>T]CCGCATCAACTAGAGCTTTTGCTTTATTTTGGTGCAATTTTTGGAAAAATGAAAACCTGT-3'

ClinVar aggregate classification (germline): Uncertain significance. Review status: criteria provided, multiple submitters, no conflicts (2 of 4 stars). 2 submissions from 2 submitters: Uncertain significance (2). Last evaluated 2024-10-25.

gnomAD v4.1: 52 of 700,298 alleles (0.0074%); highest among the groups gnomAD compares: African/African-American, 0.014%; no homozygotes.

Submissions (2):

Blueprint Genetics
Classification: Uncertain significance. Last evaluated: 2024-10-25. Review status: criteria provided, single submitter. Criteria: ACMG Guidelines, 2015. Collection method: clinical testing. Allele origin: germline.

Labcorp Genetics (formerly Invitae), Labcorp
Classification: Uncertain significance. Last evaluated: 2023-12-14. Review status: criteria provided, single submitter. Criteria: Invitae Variant Classification Sherloc (09022015). Collection method: clinical testing. Allele origin: germline.
Comment: This variant occurs in the RNU4ATAC gene, which encodes an RNA molecule that does not result in a protein product. This variant is present in population databases (rs753681380, gnomAD 0.02%). This variant has not been reported in the literature in individuals affected with RNU4ATAC-related conditions. ClinVar contains an entry for this variant (Variation ID: 1511701). Experimental studies and prediction algorithms are not available or were not evaluated, and the functional significance of this variant is currently unknown. In summary, the available evidence is currently insufficient to determine the role of this variant in disease. Therefore, it has been classified as a Variant of Uncertain Significance.